The following is an entry in ClinVar:

ClinVar aggregate classification (germline): Uncertain significance (1 of 4 stars; one submission).

Conditions:
Hereditary sensory and autonomic neuropathy type 6. Also called: HSAN VI; Neuropathy, hereditary sensory and autonomic, type VI. Identifiers: Orphanet 314381, MedGen C3539003, MONDO:0013839, OMIM 614653.
Epidermolysis bullosa simplex 3, localized or generalized intermediate, with BP230 deficiency (EBS3). Also called: Epidermolysis bullosa simplex, autosomal recessive 2; Epidermolysis bullosa simplex due to BP230 deficiency. Identifiers: Orphanet 412181, MedGen C3809470, MONDO:0014180, OMIM 615425.

Allele frequency attached by ClinVar (database versions not stated): TOPMed below 0.00001.
gnomAD v4.1: 1 of 1,613,224 alleles (0.000062%); no homozygotes.

Submission:

Labcorp Genetics (formerly Invitae), Labcorp
Classification: Uncertain significance for Epidermolysis bullosa simplex 3, localized or generalized intermediate, with BP230 deficiency; Hereditary sensory and autonomic neuropathy type 6. Last evaluated: 2022-07-06. Review status: criteria provided, single submitter. Criteria: Invitae Variant Classification Sherloc (09022015). Collection method: clinical testing. Allele origin: germline.
Comment: The DST gene has multiple clinically relevant transcripts. This variant occurs in alternate transcript NM_015548.4, and corresponds to NM_001723.5:c.*156284A>G in the primary transcript. In summary, the available evidence is currently insufficient to determine the role of this variant in disease. Therefore, it has been classified as a Variant of Uncertain Significance. Experimental studies and prediction algorithms are not available or were not evaluated, and the functional significance of this variant is currently unknown. This variant has not been reported in the literature in individuals affected with DST-related conditions. This variant is not present in population databases (gnomAD no frequency). This sequence change affects codon 5096 of the DST mRNA. It is a 'silent' change, meaning that it does not change the encoded amino acid sequence of the DST protein.

NM_001374736.1(DST):c.23229A>G (p.Arg7743=)

Gene: DST (dystonin; minus strand). Cytogenetic location: 6p12.1.
Variant type: single nucleotide variant.
Coding change: c.23229A>G on transcript NM_001374736.1 (MANE Select); coding-DNA position 23229, A replaced by G.
Protein change: p.Arg7743=; no amino-acid change (arginine 7743 retained).
Molecular consequence: synonymous variant.
Genome position (GRCh38, 1-based): chr6:56,459,233, T>C on the plus strand (A>G on the coding strand, the complement: DST is on the minus strand). VCF-style: chr6-56459233-T-C. GRCh37 (hg19) VCF-style: chr6-56324031-T-C.
Other names: c.16800A>G, p.Arg5600= (NM_001144769.5); c.16386A>G, p.Arg5462= (NM_001144770.2); c.23157A>G, p.Arg7719= (NM_001374722.1); c.22158A>G, p.Arg7386= (NM_001374729.1); c.15900A>G, p.Arg5300= (NM_001374730.1); c.23184A>G, p.Arg7728= (NM_001374734.1); c.16248A>G, p.Arg5416= (NM_001386100.1); c.15288A>G, p.Arg5096= (NM_015548.5); and 1 more.
Identifiers: ClinVar variation 1928794 (VCV001928794.5), dbSNP rs1404471548, ClinGen allele CA450481493.
Genomic context (GRCh38, chr6:56,459,233, plus strand): 5'-AAAGTCTGATGCATCACTGCCTCGGCGGCTGCTGGCCCTGCTGCCAGCTTTGCTTCCAGC[T>C]CGACTTCCTGGTCGGCTGGGAGTCTTCTTGGAATCTGAGGAAAGAAGGTAGAGACAGCTC-3'
Protein context (NP_001361665.1, residues 7733-7753): SKKTPSRPGS[Arg7743=]AGSKAGSRAS